The following is an entry in ClinVar:

ClinVar aggregate classification (germline): Uncertain significance. Review status: criteria provided, multiple submitters, no conflicts (2 of 4 stars). 3 submissions from 3 submitters: Uncertain significance (2). 1 of the submissions does not count toward it. Last evaluated 2024-11-25.

Conditions:
3-methylcrotonyl-CoA carboxylase 1 deficiency (MCC1D). Also called: METHYLCROTONYLGLYCINURIA TYPE I; MCCD TYPE 1; MCC 1 deficiency; 3 Alpha methylcrotonylglycinuria 1. Identifiers: Orphanet 6, MedGen CN028786, MONDO:0008861, OMIM 210200.
Inborn genetic diseases. Identifiers: MedGen C0950123, MeSH D030342.

Allele frequency attached by ClinVar (database versions not stated): gnomAD 0.00001; TOPMed 0.00001.
gnomAD v4.1: 3 of 1,614,114 alleles (0.00019%); highest among the groups gnomAD compares: Admixed American, 0.0017%; no homozygotes.

Submissions (3):

Ambry Genetics
Classification: Uncertain significance for Inborn genetic diseases. Last evaluated: 2024-11-25. Review status: criteria provided, single submitter. Criteria: Ambry Variant Classification Scheme 2023. Collection method: clinical testing. Allele origin: germline.

Labcorp Genetics (formerly Invitae), Labcorp
Classification: Uncertain significance for 3-methylcrotonyl-CoA carboxylase 1 deficiency. Last evaluated: 2021-08-27. Review status: criteria provided, single submitter. Criteria: Invitae Variant Classification Sherloc (09022015). Collection method: clinical testing. Allele origin: germline.
Comment: This sequence change replaces glycine with valine at codon 199 of the MCCC1 protein (p.Gly199Val). The glycine residue is highly conserved and there is a moderate physicochemical difference between glycine and valine. This variant is not present in population databases (ExAC no frequency). This variant has not been reported in the literature in individuals affected with MCCC1-related conditions. Algorithms developed to predict the effect of missense changes on protein structure and function are either unavailable or do not agree on the potential impact of this missense change (SIFT: "Deleterious"; PolyPhen-2: "Probably Damaging"; Align-GVGD: "Class C0"). In summary, the available evidence is currently insufficient to determine the role of this variant in disease. Therefore, it has been classified as a Variant of Uncertain Significance.

Natera, Inc.
Classification: Uncertain significance for 3-methylcrotonyl-CoA carboxylase 1 deficiency. Last evaluated: 2020-12-05. Review status: no assertion criteria provided. Collection method: clinical testing. Allele origin: germline. Not counted in ClinVar's aggregate classification.

NM_020166.5(MCCC1):c.596G>T (p.Gly199Val)

Gene: MCCC1 (methylcrotonyl-CoA carboxylase subunit 1; minus strand). Cytogenetic location: 3q27.1.
Variant type: single nucleotide variant.
Coding change: c.596G>T on transcript NM_020166.5 (MANE Select); coding-DNA position 596, G replaced by T.
Protein change: p.Gly199Val; replaces glycine 199 with valine.
Molecular consequence: missense variant. On other transcripts: non-coding transcript variant (2).
Genome position (GRCh38, 1-based): chr3:183,071,253, C>A on the plus strand (G>T on the coding strand, the complement: MCCC1 is on the minus strand). VCF-style: chr3-183071253-C-A. GRCh37 (hg19) VCF-style: chr3-182789041-C-A.
Other names: c.245G>T, p.Gly82Val (NM_001293273.2); c.269G>T, p.Gly90Val (NM_001363880.1); c.596G>T (NM_020166.3); short protein forms G199V, G82V, G90V.
Identifiers: ClinVar variation 1061878 (VCV001061878.11), dbSNP rs1198116993, ClinGen allele CA355330351.